The following is an entry in ClinVar:

NM_004329.3(BMPR1A):c.707T>C (p.Met236Thr)

Gene: BMPR1A (bone morphogenetic protein receptor type 1A; plus strand). Cytogenetic location: 10q23.2.
Variant type: single nucleotide variant.
Coding change: c.707T>C on transcript NM_004329.3 (MANE Select); coding-DNA position 707, T replaced by C.
Protein change: p.Met236Thr; replaces methionine 236 with threonine.
Molecular consequence: missense variant.
Genome position (GRCh38, 1-based): chr10:86,917,165, T>C. VCF-style: chr10-86917165-T-C. GRCh37 (hg19) VCF-style: chr10-88676922-T-C.
Other names: short protein forms M236T.
Identifiers: ClinVar variation 491013 (VCV000491013.17), dbSNP rs1347027954, ClinGen allele CA377457134.

ClinVar aggregate classification (germline): Uncertain significance. Review status: criteria provided, multiple submitters, no conflicts (2 of 4 stars). 3 submissions from 3 submitters: Uncertain significance (3). Last evaluated 2025-12-04.

Conditions:
Juvenile polyposis syndrome (JPS). Identifiers: Orphanet 2929, MedGen C0345893, MONDO:0017380, OMIM 174900.
Hereditary cancer-predisposing syndrome. Also called: Tumor predisposition; Neoplastic Syndromes, Hereditary; Hereditary Cancer Syndrome; Hereditary neoplastic syndrome. Identifiers: Orphanet 140162, MedGen C0027672, MeSH D009386, MONDO:0015356.

gnomAD v4.1: 5 of 1,614,114 alleles (0.00031%); highest among the groups gnomAD compares: South Asian, 0.0044%; 1 homozygote.

Submissions (3):

Ambry Genetics
Classification: Uncertain significance for Hereditary cancer-predisposing syndrome. Last evaluated: 2025-12-04. Review status: criteria provided, single submitter. Criteria: Ambry Variant Classification Scheme 2023. Collection method: clinical testing. Allele origin: germline.
Comment: The p.M236T variant (also known as c.707T>C), located in coding exon 7 of the BMPR1A gene, results from a T to C substitution at nucleotide position 707. The methionine at codon 236 is replaced by threonine, an amino acid with similar properties. This amino acid position is well conserved in available vertebrate species. In addition, the in silico prediction for this alteration is inconclusive. Based on the available evidence, the clinical significance of this variant remains unclear.

Labcorp Genetics (formerly Invitae), Labcorp
Classification: Uncertain significance for Juvenile polyposis syndrome. Last evaluated: 2024-07-02. Review status: criteria provided, single submitter. Criteria: Invitae Variant Classification Sherloc (09022015). Collection method: clinical testing. Allele origin: germline.
Comment: This sequence change replaces methionine, which is neutral and non-polar, with threonine, which is neutral and polar, at codon 236 of the BMPR1A protein (p.Met236Thr). This variant is present in population databases (no rsID available, gnomAD 0.003%). This variant has not been reported in the literature in individuals affected with BMPR1A-related conditions. ClinVar contains an entry for this variant (Variation ID: 491013). Advanced modeling of protein sequence and biophysical properties (such as structural, functional, and spatial information, amino acid conservation, physicochemical variation, residue mobility, and thermodynamic stability) has been performed at Invitae for this missense variant, however the output from this modeling did not meet the statistical confidence thresholds required to predict the impact of this variant on BMPR1A protein function. In summary, the available evidence is currently insufficient to determine the role of this variant in disease. Therefore, it has been classified as a Variant of Uncertain Significance.

Color Diagnostics, LLC DBA Color Health
Classification: Uncertain significance for Hereditary cancer-predisposing syndrome. Last evaluated: 2024-03-06. Review status: criteria provided, single submitter. Criteria: ACMG Guidelines, 2015. Collection method: clinical testing. Allele origin: germline.
Comment: This missense variant replaces methionine with threonine at codon 236 of the BMPR1A protein. Computational prediction is inconclusive regarding the impact of this variant on protein structure and function (internally defined REVEL score threshold 0.5 < inconclusive < 0.7, PMID: 27666373). To our knowledge, functional studies have not been reported for this variant. This variant has not been reported in individuals affected with BMPR1A-related disorders in the literature. This variant has been identified in 1/251430 chromosomes in the general population by the Genome Aggregation Database (gnomAD). The available evidence is insufficient to determine the role of this variant in disease conclusively. Therefore, this variant is classified as a Variant of Uncertain Significance.